The following is an entry in ClinVar:

ClinVar aggregate classification (germline): Likely benign. Review status: criteria provided, multiple submitters, no conflicts (2 of 4 stars). 2 submissions from 2 submitters: Likely benign (2). Last evaluated 2025-05-27.

Conditions:
TUB-related disorder. Also called: TUB-related condition.

gnomAD v4.1: 10 of 1,605,126 alleles (0.00062%); highest among the groups gnomAD compares: Non-Finnish European, 0.00077%; no homozygotes.

Submissions (2):

PreventionGenetics, part of Exact Sciences
Classification: Likely benign for TUB-related condition. Last evaluated: 2025-05-27. Review status: criteria provided, single submitter. Criteria: ACMG Guidelines, 2015. Collection method: clinical testing. Allele origin: germline.
Comment: This variant is classified as likely benign based on ACMG/AMP sequence variant interpretation guidelines (Richards et al. 2015 PMID: 25741868, with internal and published modifications).

Labcorp Genetics (formerly Invitae), Labcorp
Classification: Likely benign. Last evaluated: 2024-03-16. Review status: criteria provided, single submitter. Criteria: Invitae Variant Classification Sherloc (09022015). Collection method: clinical testing. Allele origin: germline.

NM_177972.3(TUB):c.998+9A>G

Genes: RIC3 (RIC3 acetylcholine receptor chaperone; minus strand), TUB (TUB bipartite transcription factor; plus strand). Cytogenetic location: 11p15.4.
Variant type: single nucleotide variant.
Coding change: c.998+9A>G on transcript NM_177972.3 (MANE Select); 9 bases into the intron after coding-DNA position 998, A replaced by G.
Molecular consequence: intron variant.
Genome position (GRCh38, 1-based): chr11:8,097,835, A>G. VCF-style: chr11-8097835-A-G. GRCh37 (hg19) VCF-style: chr11-8119382-A-G.
Other names: c.1163+9A>G (NM_003320.5, NM_003320.4).
Identifiers: ClinVar variation 3687525 (VCV003687525.3).